The following is an entry in ClinVar:

ClinVar aggregate classification (germline): Uncertain significance (1 of 4 stars; one submission).

Conditions:
LRRC45-related disorder. Also called: LRRC45-related condition.

gnomAD v4.1: 8 of 1,610,748 alleles (0.0005%); highest among the groups gnomAD compares: African/African-American, 0.0053%; no homozygotes.

Submission:

PreventionGenetics, part of Exact Sciences
Classification: Uncertain significance for LRRC45-related condition. Last evaluated: 2026-06-23. Review status: criteria provided, single submitter. Criteria: ACMG Guidelines, 2015. Collection method: clinical testing. Allele origin: germline.
Comment: The LRRC45 c.448G>A variant is predicted to result in the amino acid substitution p.Asp150Asn. To our knowledge, this variant has not been reported in the literature. This variant is reported in 0.0029% of alleles in individuals of Latino descent in gnomAD. At this time, the clinical significance of this variant is uncertain due to the absence of conclusive functional and genetic evidence.

NM_144999.4(LRRC45):c.448G>A (p.Asp150Asn)

Gene: LRRC45 (leucine rich repeat containing 45; plus strand). Cytogenetic location: 17q25.3.
Variant type: single nucleotide variant.
Coding change: c.448G>A on transcript NM_144999.4 (MANE Select); coding-DNA position 448, G replaced by A.
Protein change: p.Asp150Asn; replaces aspartic acid 150 with asparagine.
Molecular consequence: missense variant.
Genome position (GRCh38, 1-based): chr17:82,025,094, G>A. VCF-style: chr17-82025094-G-A. GRCh37 (hg19) VCF-style: chr17-79982970-G-A.
Other names: short protein forms D150N.
Identifiers: ClinVar variation 4979062 (VCV004979062.1).